The following is an entry in ClinVar:

NM_001365951.3(KIF1B):c.3710C>T (p.Thr1237Met)

Gene: KIF1B (kinesin family member 1B; plus strand). Cytogenetic location: 1p36.22.
Variant type: single nucleotide variant.
Coding change: c.3710C>T on transcript NM_001365951.3 (MANE Select); coding-DNA position 3710, C replaced by T.
Protein change: p.Thr1237Met; replaces threonine 1237 with methionine.
Molecular consequence: missense variant.
Genome position (GRCh38, 1-based): chr1:10,345,866, C>T. VCF-style: chr1-10345866-C-T. GRCh37 (hg19) VCF-style: chr1-10405924-C-T.
Other names: c.3572C>T, p.Thr1191Met (NM_015074.3); c.3710C>T, p.Thr1237Met (NM_001365952.1); short protein forms T1191M, T1237M.
Identifiers: ClinVar variation 1732810 (VCV001732810.8), dbSNP rs1248093173, ClinGen allele CA338342305.
Genomic context (GRCh38, chr1:10,345,866, plus strand): 5'-TTGGACCAGATTTTGACATACTCTAAAAACTTTTAAAAGTTCCAGCCACCAAGTTAAACA[C>T]GATGAGCAAAACCAGCCTTGGCCAGAGCATGAGCAAGTATGACCTCCTGGTTTGGTTTGA-3'
Protein context (NP_001352880.1, residues 1227-1247): SKPVPATKLN[Thr1237Met]MSKTSLGQSM

ClinVar aggregate classification (germline): Uncertain significance. Review status: criteria provided, multiple submitters, no conflicts (2 of 4 stars). 2 submissions from 2 submitters: Uncertain significance (2). Last evaluated 2025-12-30.

Conditions:
Charcot-Marie-Tooth disease type 2. Also called: Charcot-Marie-Tooth type 2. Identifiers: Orphanet 64746, MedGen C0270914, MONDO:0018993.

Allele frequency attached by ClinVar (database versions not stated): 1000 Genomes Project 30x 0.00016.
gnomAD v4.1: 5 of 1,614,060 alleles (0.00031%); highest among the groups gnomAD compares: Admixed American, 0.0017%; no homozygotes.

Submissions (2):

Labcorp Genetics (formerly Invitae), Labcorp
Classification: Uncertain significance for Charcot-Marie-Tooth disease type 2. Last evaluated: 2025-12-30. Review status: criteria provided, single submitter. Criteria: Invitae Variant Classification Sherloc (09022015). Collection method: clinical testing. Allele origin: germline.
Comment: This sequence change replaces threonine, which is neutral and polar, with methionine, which is neutral and non-polar, at codon 1191 of the KIF1B protein (p.Thr1191Met). This variant is not present in population databases (gnomAD no frequency). This variant has not been reported in the literature in individuals affected with KIF1B-related conditions. ClinVar contains an entry for this variant (Variation ID: 1732810). An algorithm developed to predict the effect of missense changes on protein structure and function (PolyPhen-2) suggests that this variant is likely to be tolerated. In summary, the available evidence is currently insufficient to determine the role of this variant in disease. Therefore, it has been classified as a Variant of Uncertain Significance.

Ambry Genetics
Classification: Uncertain significance. Last evaluated: 2025-12-02. Review status: criteria provided, single submitter. Criteria: Ambry Variant Classification Scheme 2023. Collection method: clinical testing. Allele origin: germline.